The following is an entry in ClinVar:

ClinVar aggregate classification (germline): Conflicting classifications of pathogenicity. Review status: criteria provided, conflicting classifications (1 of 4 stars). 2 submissions from 2 submitters: Likely pathogenic (1); Uncertain significance (1). Last evaluated 2020-08-14.

Conditions:
ACTA1-related myopathies.
Actin accumulation myopathy (CMYO2A). Also called: CONGENITAL MYOPATHY 2A, TYPICAL, AUTOSOMAL DOMINANT; Nemaline myopathy type 3; Myopathy, actin, congenital, with excess of thin myofilaments; Myopathy, actin, congenital, with cores; Nemaline myopathy 3, with intranuclear rods. Identifiers: Orphanet 98904, MedGen C3711389, MONDO:0008070, OMIM 161800.

Submissions (2):

Labcorp Genetics (formerly Invitae), Labcorp
Classification: Uncertain significance for Actin accumulation myopathy. Last evaluated: 2020-08-14. Review status: criteria provided, single submitter. Criteria: Invitae Variant Classification Sherloc (09022015). Collection method: clinical testing. Allele origin: germline.
Comment: In summary, the available evidence is currently insufficient to determine the role of this variant in disease. Therefore, it has been classified as a Variant of Uncertain Significance. This variant disrupts the p.Ala116 amino acid residue in ACTA1. Other variant(s) that disrupt this residue have been observed in individuals with ACTA1-related conditions (PMID: 19562689, 25635128), which suggests that this may be a clinically significant amino acid residue. Advanced modeling of protein sequence and biophysical properties (such as structural, functional, and spatial information, amino acid conservation, physicochemical variation, residue mobility, and thermodynamic stability) performed at Invitae indicates that this missense variant is expected to disrupt ACTA1 protein function. This variant has been observed in individual(s) with clinical features of nemaline myopathy (PMID: 19562689). This variant is not present in population databases (ExAC no frequency). This sequence change replaces alanine with serine at codon 116 of the ACTA1 protein (p.Ala116Ser). The alanine residue is highly conserved and there is a moderate physicochemical difference between alanine and serine.

Rady Children's Institute for Genomic Medicine, Rady Children's Hospital San Diego
Classification: Likely pathogenic for ACTA1-related myopathies. Review status: criteria provided, single submitter. Criteria: ACMG Guidelines, 2015. Collection method: clinical testing. Allele origin: germline. Affected: yes.
Comment: This variant has been previously reported in an individual with nemaline myopathy and inheritance was unknown (PMID: 19562689). Different amino acid changes at the same residue (p.Ala116Pro, p.Ala116Val, and p.Ala116Thr) have been previously reported in individuals with muscle weakness and myopathy (PMID: 32989108, 12921789, 25635128). Additionally, missense variation in the ACTA1 gene has been reported in association with ACTA1-related musculoskeletal system disorder (PMID: 25635128, 25938801, 25747004, 15468086, 15520409, 20303757). This alteration is absent from the gnomAD population database and thus is presumed to be rare. The c.346G>T (p.Ala116Ser) variant affects a highly conserved amino acid and is predicted by multiple in silico tools to have a discordant effect on protein function. Analysis of the parental samples was negative for the variant, indicating this variant likely occurred as a de novo event. Based on the available evidence, the c.346G>T (p.Ala116Ser) variant is classified as Likely Pathogenic.

Literature cited by the submitters: PubMed 19562689 (cited by Labcorp Genetics (formerly Invitae), Labcorp); PubMed 25635128 (cited by Labcorp Genetics (formerly Invitae), Labcorp).

NM_001100.4(ACTA1):c.346G>T (p.Ala116Ser)

Gene: ACTA1 (actin alpha 1, skeletal muscle; minus strand). Cytogenetic location: 1q42.13.
Variant type: single nucleotide variant.
Coding change: c.346G>T on transcript NM_001100.4 (MANE Select); coding-DNA position 346, G replaced by T.
Protein change: p.Ala116Ser; replaces alanine 116 with serine.
Molecular consequence: missense variant.
Genome position (GRCh38, 1-based): chr1:229,432,664, C>A on the plus strand (G>T on the coding strand, the complement: ACTA1 is on the minus strand). VCF-style: chr1-229432664-C-A. GRCh37 (hg19) VCF-style: chr1-229568411-C-A.
Other names: c.346G>T (NM_001100.3); short protein forms A116S.
Identifiers: ClinVar variation 1042202 (VCV001042202.10), dbSNP rs1659975786, ClinGen allele CA345149752.